The following is an entry in ClinVar:

ClinVar aggregate classification (germline): Pathogenic (1 of 4 stars; one submission).

Conditions:
Ataxia-telangiectasia-like disorder (ATLD). Identifiers: MedGen C1858391, MONDO:0011457.

Submission:

Labcorp Genetics (formerly Invitae), Labcorp
Classification: Pathogenic for Ataxia-telangiectasia-like disorder. Last evaluated: 2019-10-08. Review status: criteria provided, single submitter. Criteria: Invitae Variant Classification Sherloc (09022015). Collection method: clinical testing. Allele origin: germline.
Comment: For these reasons, this variant has been classified as Pathogenic. Loss-of-function variants in MRE11 are known to be pathogenic (PMID: 23080121, 23912341). Algorithms developed to predict the effect of sequence changes on RNA splicing suggest that this variant may disrupt the consensus splice site, but this prediction has not been confirmed by published transcriptional studies. This variant has not been reported in the literature in individuals with MRE11-related conditions. This variant is not present in population databases (ExAC no frequency). This sequence change creates a premature translational stop signal (p.?) in the MRE11 gene. It is expected to result in an absent or disrupted protein product.

Literature cited by the submitters: PubMed 23080121; PubMed 23912341.

NM_005591.4(MRE11):c.1326+1del

Gene: MRE11 (MRE11 double strand break repair nuclease; minus strand). Cytogenetic location: 11q21.
Variant type: Deletion.
Coding change: c.1326+1del on transcript NM_005591.4 (MANE Select); the canonical splice donor site of the intron after coding-DNA position 1326, one base deleted (G; older notation c.1326+1delG).
Molecular consequence: splice donor variant.
Genome position (GRCh38, 1-based): chr11:94,460,935, C deleted on the plus strand (G on the coding strand, the reverse complement: MRE11 is on the minus strand); the first of 2 consecutive C bases (chr11:94,460,935-94,460,936); deleting either gives the same sequence. VCF-style (leftmost placement, unchanged base first): chr11-94460934-AC-A. GRCh37 (hg19) VCF-style: chr11-94194100-AC-A.
Other names: c.1326+1del (NM_001330347.2, NM_005590.4).
Identifiers: ClinVar variation 967050 (VCV000967050.8), dbSNP rs1946397259, ClinGen allele CA1139662119.
Genomic context (GRCh38, chr11:94,460,934, plus strand): 5'-CTAAATTAAAATCTGTTACTATAAGGTAGCCATTATTCAAAATGTGAACTGTAAGAAATT[AC>A]CTTCTCTGCGGTTTGAAAGTACTGTTTTACAAGATCTTCTACCCTTAAAGTTGTTCCTTC-3'